The following is an entry in ClinVar:

ClinVar aggregate classification (germline): Likely benign. Review status: criteria provided, multiple submitters, no conflicts (2 of 4 stars). 2 submissions from 2 submitters: Likely benign (2). Last evaluated 2026-09-14.

Conditions:
TBX3-related disorder. Also called: TBX3-related condition.

gnomAD v4.1: 26 of 1,572,736 alleles (0.0017%); highest among the groups gnomAD compares: Non-Finnish European, 0.0022%; no homozygotes.

Submissions (2):

PreventionGenetics, part of Exact Sciences
Classification: Likely benign for TBX3-related condition. Last evaluated: 2026-09-14. Review status: criteria provided, single submitter. Criteria: ACMG Guidelines, 2015. Collection method: clinical testing. Allele origin: germline.
Comment: This variant is classified as likely benign based on ACMG/AMP sequence variant interpretation guidelines (Richards et al. 2015 PMID: 25741868, with internal and published modifications).

Blueprint Genetics
Classification: Likely benign. Last evaluated: 2023-08-09. Review status: criteria provided, single submitter. Criteria: ACMG Guidelines, 2015. Collection method: clinical testing. Allele origin: germline.

NM_005996.4(TBX3):c.1863C>T (p.Ser621=)

Gene: TBX3 (T-box transcription factor 3; minus strand). Cytogenetic location: 12q24.21.
Variant type: single nucleotide variant.
Coding change: c.1863C>T on transcript NM_005996.4 (MANE Select); coding-DNA position 1863, C replaced by T.
Protein change: p.Ser621=; no amino-acid change (serine 621 retained).
Molecular consequence: synonymous variant.
Genome position (GRCh38, 1-based): chr12:114,672,150, G>A on the plus strand (C>T on the coding strand, the complement: TBX3 is on the minus strand). VCF-style: chr12-114672150-G-A. GRCh37 (hg19) VCF-style: chr12-115109955-G-A.
Other names: c.1923C>T, p.Ser641= (NM_016569.4); c.1923C>T (NM_016569.3).
Identifiers: ClinVar variation 4918738 (VCV004918738.2).